The following is an entry in ClinVar:

ClinVar aggregate classification (germline): Likely benign (1 of 4 stars; one submission).

Submission:

CeGaT Center for Human Genetics Tuebingen
Classification: Likely benign. Last evaluated: 2024-12-01. Review status: criteria provided, single submitter. Criteria: CeGaT Center For Human Genetics Tuebingen Variant Classification Criteria Version 2. Collection method: clinical testing. Allele origin: germline. Affected: yes. Observed: 1 variant allele.
Comment: JAK3: PM2:Supporting, BP4, BP7

NM_000215.4(JAK3):c.2340C>A (p.Leu780=)

Gene: JAK3 (Janus kinase 3; minus strand). Cytogenetic location: 19p13.11.
Variant type: single nucleotide variant.
Coding change: c.2340C>A on transcript NM_000215.4 (MANE Select); coding-DNA position 2340, C replaced by A.
Protein change: p.Leu780=; no amino-acid change (leucine 780 retained).
Molecular consequence: synonymous variant.
Genome position (GRCh38, 1-based): chr19:17,834,581, G>T on the plus strand (C>A on the coding strand, the complement: JAK3 is on the minus strand). VCF-style: chr19-17834581-G-T. GRCh37 (hg19) VCF-style: chr19-17945390-G-T.
Identifiers: ClinVar variation 3771090 (VCV003771090.13).